The following is an entry in ClinVar:

NM_001113226.3(NTNG1):c.861G>A (p.Ala287=)

Gene: NTNG1 (netrin G1; plus strand). Cytogenetic location: 1p13.3.
Variant type: single nucleotide variant.
Coding change: c.861G>A on transcript NM_001113226.3 (MANE Select); coding-DNA position 861, G replaced by A.
Protein change: p.Ala287=; no amino-acid change (alanine 287 retained).
Molecular consequence: synonymous variant.
Genome position (GRCh38, 1-based): chr1:107,324,896, G>A. VCF-style: chr1-107324896-G-A. GRCh37 (hg19) VCF-style: chr1-107867518-G-A.
Other names: c.861G>A, p.Ala287= (NM_001113228.3, NM_001312688.2, NM_001330665.2 and 7 more transcripts).
Identifiers: ClinVar variation 3048525 (VCV003048525.2), dbSNP rs142977353, ClinGen allele CA977606.

ClinVar aggregate classification (germline): Likely benign (0 of 4 stars; one submission).

Conditions:
NTNG1-related disorder. Also called: NTNG1-related condition.

Allele frequency attached by ClinVar (database versions not stated): ExAC 0.00026; 1000 Genomes Project 30x 0.00031; gnomAD 0.00031; TOPMed 0.00035; 1000 Genomes Project 0.00040; ESP Exome Variant Server 0.00054.
gnomAD v4.1: 370 of 1,612,130 alleles (0.023%); highest among the groups gnomAD compares: Middle Eastern, 0.083%; no homozygotes.

Submission:

PreventionGenetics, part of Exact Sciences
Classification: Likely benign for NTNG1-related condition. Last evaluated: 2019-12-23. Review status: no assertion criteria provided. Collection method: clinical testing. Allele origin: germline.
Comment: This variant is classified as likely benign based on ACMG/AMP sequence variant interpretation guidelines (Richards et al. 2015 PMID: 25741868, with internal and published modifications).